The following is an entry in ClinVar:

ClinVar aggregate classification (germline): Uncertain significance. Review status: criteria provided, multiple submitters, no conflicts (2 of 4 stars). 3 submissions from 3 submitters: Uncertain significance (2). 1 of the submissions does not count toward it. Last evaluated 2022-08-01.

Conditions:
Inborn genetic diseases. Identifiers: MedGen C0950123, MeSH D030342.
FAT1-related disorder. Also called: FAT1-related condition.

Allele frequency attached by ClinVar (database versions not stated): gnomAD 0.00012; ESP Exome Variant Server 0.00016; ExAC 0.00017; TOPMed 0.00019.
gnomAD v4.1: 144 of 1,613,890 alleles (0.0089%); highest among the groups gnomAD compares: Admixed American, 0.0083%; 1 homozygote.

Submissions (3):

CeGaT Center for Human Genetics Tuebingen
Classification: Uncertain significance. Last evaluated: 2022-08-01. Review status: criteria provided, single submitter. Criteria: CeGaT Center For Human Genetics Tuebingen Variant Classification Criteria Version 2. Collection method: clinical testing. Allele origin: germline. Affected: yes. Observed: 1 variant allele.
Comment: FAT1: PM2

Ambry Genetics
Classification: Uncertain significance for Inborn genetic diseases. Last evaluated: 2021-09-01. Review status: criteria provided, single submitter. Criteria: Ambry Variant Classification Scheme 2023. Collection method: clinical testing. Allele origin: germline.

PreventionGenetics, part of Exact Sciences
Classification: Likely benign for FAT1-related condition. Last evaluated: 2023-05-15. Review status: no assertion criteria provided. Collection method: clinical testing. Allele origin: germline. Not counted in ClinVar's aggregate classification.
Comment: This variant is classified as likely benign based on ACMG/AMP sequence variant interpretation guidelines (Richards et al. 2015 PMID: 25741868, with internal and published modifications).

NM_005245.4(FAT1):c.6122G>A (p.Arg2041His)

Gene: FAT1 (FAT atypical cadherin 1; minus strand). Cytogenetic location: 4q35.2.
Variant type: single nucleotide variant.
Coding change: c.6122G>A on transcript NM_005245.4 (MANE Select); coding-DNA position 6122, G replaced by A.
Protein change: p.Arg2041His; replaces arginine 2041 with histidine.
Molecular consequence: missense variant.
Genome position (GRCh38, 1-based): chr4:186,620,464, C>T on the plus strand (G>A on the coding strand, the complement: FAT1 is on the minus strand). VCF-style: chr4-186620464-C-T. GRCh37 (hg19) VCF-style: chr4-187541618-C-T.
Other names: short protein forms R2041H.
Identifiers: ClinVar variation 2384390 (VCV002384390.27), dbSNP rs369383837, ClinGen allele CA3166308.
Genomic context (GRCh38, chr4:186,620,464, plus strand): 5'-GCAGAAGGCTTATGTTCCTCTGTCACTTCTACAACCACATCAAACGCCTCCTGCTGCTCA[C>T]GATCGAAGGGCGTGCCAGTGGTTGACAGAACTCCTGAAGTGCGGCTTATTTTAAATCTGC-3'
Protein context (NP_005236.2, residues 2031-2051): VLSTTGTPFD[Arg2041His]EQQEAFDVVV